The following is an entry in ClinVar:

ClinVar aggregate classification (germline): Likely benign (1 of 4 stars; one submission).

Submission:

CeGaT Center for Human Genetics Tuebingen
Classification: Likely benign. Last evaluated: 2023-03-01. Review status: criteria provided, single submitter. Criteria: CeGaT Center For Human Genetics Tuebingen Variant Classification Criteria Version 2. Collection method: clinical testing. Allele origin: germline. Affected: yes. Observed: 1 variant allele.
Comment: RYR1: PM2:Supporting, BP4, BP7

NM_000540.3(RYR1):c.11646C>T (p.Asp3882=)

Gene: RYR1 (ryanodine receptor 1; plus strand). Cytogenetic location: 19q13.2.
Variant type: single nucleotide variant.
Coding change: c.11646C>T on transcript NM_000540.3 (MANE Select); coding-DNA position 11646, C replaced by T.
Protein change: p.Asp3882=; no amino-acid change (aspartic acid 3882 retained).
Molecular consequence: synonymous variant.
Genome position (GRCh38, 1-based): chr19:38,537,917, C>T. VCF-style: chr19-38537917-C-T. GRCh37 (hg19) VCF-style: chr19-39028557-C-T.
Other names: c.11631C>T, p.Asp3877= (NM_001042723.2).
Identifiers: ClinVar variation 2498777 (VCV002498777.28), dbSNP rs2514549476, ClinGen allele CA507242216.